The following is an entry in ClinVar:

ClinVar aggregate classification (germline): Benign/Likely benign. Review status: criteria provided, multiple submitters, no conflicts (2 of 4 stars). 5 submissions from 5 submitters: Benign (2); Likely benign (3). Last evaluated 2025-11-17.

Conditions:
Tuberous sclerosis 2 (TSC2). Identifiers: Orphanet 805, MedGen C1860707, MONDO:0013199, OMIM 613254.
Hereditary cancer-predisposing syndrome. Also called: Tumor predisposition; Hereditary neoplastic syndrome; Neoplastic Syndromes, Hereditary; Hereditary Cancer Syndrome. Identifiers: Orphanet 140162, MedGen C0027672, MeSH D009386, MONDO:0015356.

Allele frequency attached by ClinVar (database versions not stated): gnomAD exomes below 0.00001; TOPMed 0.00002.

Submissions (5):

Labcorp Genetics (formerly Invitae), Labcorp
Classification: Likely benign for Tuberous sclerosis 2. Last evaluated: 2025-11-17. Review status: criteria provided, single submitter. Criteria: Invitae Variant Classification Sherloc (09022015). Collection method: clinical testing. Allele origin: germline.

Myriad Genetics, Inc.
Classification: Benign for Tuberous sclerosis 2. Last evaluated: 2025-05-19. Review status: criteria provided, single submitter. Criteria: Myriad Autosomal Dominant, Autosomal Recessive and X-Linked Classification Criteria (2023). Collection method: clinical testing. Allele origin: unknown.
Comment: This variant is considered benign. This variant is a silent/synonymous amino acid change and it is not expected to impact splicing.

Genome-Nilou Lab
Classification: Benign for Tuberous sclerosis 2. Last evaluated: 2021-11-07. Review status: criteria provided, single submitter. Criteria: ACMG Guidelines, 2015. Collection method: clinical testing. Allele origin: germline. Affected: no.

Ambry Genetics
Classification: Likely benign for Hereditary cancer-predisposing syndrome. Last evaluated: 2019-11-20. Review status: criteria provided, single submitter. Criteria: Ambry Variant Classification Scheme 2023. Collection method: clinical testing. Allele origin: germline.

GeneDx
Classification: Likely benign. Last evaluated: 2018-06-27. Review status: criteria provided, single submitter. Criteria: GeneDx Variant Classification Process June 2021. Collection method: clinical testing. Allele origin: germline. Affected: yes.

NM_000548.5(TSC2):c.2136G>A (p.Arg712=)

Gene: TSC2 (TSC complex subunit 2; plus strand). Cytogenetic location: 16p13.3.
Variant type: single nucleotide variant.
Coding change: c.2136G>A on transcript NM_000548.5 (MANE Select); coding-DNA position 2136, G replaced by A.
Protein change: p.Arg712=; no amino-acid change (arginine 712 retained).
Molecular consequence: synonymous variant.
Genome position (GRCh38, 1-based): chr16:2,072,279, G>A. VCF-style: chr16-2072279-G-A. GRCh37 (hg19) VCF-style: chr16-2122280-G-A.
Other names: c.2136G>A, p.Arg712= (NM_001077183.3, NM_001114382.3, NM_001363528.2 and 3 more transcripts); c.2025G>A, p.Arg675= (NM_001318827.2); c.1989G>A, p.Arg663= (NM_001318829.2); c.1536G>A, p.Arg512= (NM_001318831.2); c.2169G>A, p.Arg723= (NM_001318832.2).
Identifiers: ClinVar variation 710560 (VCV000710560.19), dbSNP rs995073369, ClinGen allele CA276738243.